The following is an entry in ClinVar:

ClinVar aggregate classification (germline): Uncertain significance (1 of 4 stars; one submission).

Conditions:
Glycogen storage disease, type II (IOPD). Also called: CARDIOMEGALIA GLYCOGENICA DIFFUSA; GLYCOGENOSIS, GENERALIZED, CARDIAC FORM; GSD II; POMPE DISEASE, INFANTILE-ONSET; GLYCOGEN STORAGE DISEASE II, INFANTILE-ONSET; ACID ALPHA-GLUCOSIDASE DEFICIENCY, INFANTILE-ONSET. Identifiers: Orphanet 365, MedGen C0017921, MONDO:0009290, OMIM 232300.

Submission:

Labcorp Genetics (formerly Invitae), Labcorp
Classification: Uncertain significance for Glycogen storage disease, type II. Last evaluated: 2022-10-05. Review status: criteria provided, single submitter. Criteria: Invitae Variant Classification Sherloc (09022015). Collection method: clinical testing. Allele origin: germline.
Comment: In summary, the available evidence is currently insufficient to determine the role of this variant in disease. Therefore, it has been classified as a Variant of Uncertain Significance. Advanced modeling of protein sequence and biophysical properties (such as structural, functional, and spatial information, amino acid conservation, physicochemical variation, residue mobility, and thermodynamic stability) has been performed at Invitae for this missense variant, however the output from this modeling did not meet the statistical confidence thresholds required to predict the impact of this variant on GAA protein function. This variant has not been reported in the literature in individuals affected with GAA-related conditions. This variant is not present in population databases (gnomAD no frequency). This sequence change replaces phenylalanine, which is neutral and non-polar, with valine, which is neutral and non-polar, at codon 416 of the GAA protein (p.Phe416Val).

NM_000152.5(GAA):c.1246T>G (p.Phe416Val)

Gene: GAA (alpha glucosidase; plus strand). Cytogenetic location: 17q25.3.
Variant type: single nucleotide variant.
Coding change: c.1246T>G on transcript NM_000152.5 (MANE Select); coding-DNA position 1246, T replaced by G.
Protein change: p.Phe416Val; replaces phenylalanine 416 with valine.
Molecular consequence: missense variant.
Genome position (GRCh38, 1-based): chr17:80,108,748, T>G. VCF-style: chr17-80108748-T-G. GRCh37 (hg19) VCF-style: chr17-78082547-T-G.
Other names: c.1246T>G, p.Phe416Val (NM_001079803.3, NM_001079804.3, NM_001406741.1 and 1 more transcripts); short protein forms F416V.
Identifiers: ClinVar variation 2123394 (VCV002123394.4), dbSNP rs2510364708, ClinGen allele CA401365265.